The following is an entry in ClinVar:

ClinVar aggregate classification (germline): Uncertain significance (1 of 4 stars; one submission).

Conditions:
Chuvash polycythemia. Also called: POLYCYTHEMIA, VHL-DEPENDENT. Identifiers: Orphanet 238557, MedGen C1837915, MONDO:0009892, OMIM 263400.
Von Hippel-Lindau syndrome (VHLS). Also called: Von Hippel-Lindau; VHL syndrome; von Hippel–Lindau syndrome. Identifiers: Orphanet 892, MedGen C0019562, MONDO:0008667, OMIM 193300. Disease mechanism: loss of function.

Submission:

Labcorp Genetics (formerly Invitae), Labcorp
Classification: Uncertain significance for Von Hippel-Lindau syndrome; Chuvash polycythemia. Last evaluated: 2025-12-21. Review status: criteria provided, single submitter. Criteria: Invitae Variant Classification Sherloc (09022015). Collection method: clinical testing. Allele origin: germline.
Comment: This sequence change falls in intron 1 of the VHL gene. It is not expected to change the encoded amino acid sequence of the VHL protein. However, this sequence change falls within a cryptic exon in the VHL gene, known as exon E1’, which is naturally expressed at low levels in several human tissues (PMID: 29891534). This variant is not present in population databases (gnomAD no frequency). This variant has not been reported in the literature in individuals affected with VHL-related conditions. ClinVar contains an entry for this variant (Variation ID: 1505659). Experimental studies and prediction algorithms are not available or were not evaluated, and the functional significance of this variant is currently unknown. Algorithms developed to predict the effect of sequence changes on RNA splicing suggest that this variant is not likely to affect RNA splicing. In summary, the available evidence is currently insufficient to determine the role of this variant in disease. Therefore, it has been classified as a Variant of Uncertain Significance.

Literature cited by the submitters: PubMed 29891534.

NM_000551.4(VHL):c.340+787C>T

Genes: VHL (von Hippel-Lindau tumor suppressor; plus strand), LOC107303340 (3p25 von Hippel-Lindau tumor suppressor, E3 ubiquitin protein ligase Alu-mediated recombination region; plus strand). Cytogenetic location: 3p25.3.
Variant type: single nucleotide variant.
Coding change: c.340+787C>T on transcript NM_000551.4 (MANE Select); 787 bases into the intron after coding-DNA position 340, C replaced by T.
Molecular consequence: intron variant. On other transcripts: synonymous variant (1).
Genome position (GRCh38, 1-based): chr3:10,142,974, C>T. VCF-style: chr3-10142974-C-T. GRCh37 (hg19) VCF-style: chr3-10184658-C-T.
Other names: c.552C>T, p.Phe184= (NM_001354723.2); c.340+787C>T (NM_198156.3).
Identifiers: ClinVar variation 1505659 (VCV001505659.6), dbSNP rs2125126091, ClinGen allele CA2573136140.
Genomic context (GRCh38, chr3:10,142,974, plus strand): 5'-TTACCTGCCTGCTGGGAGATGGAGGGGTTGCGGTTGTGTGGTTTCAGTTAAGGAGCACTT[C>T]CCGGAGAAGGAAGAGAGCAGGATGGAGTAGGAACTAGCCAACCCTAGGTAAGAGGTTCTA-3'